The following is an entry in ClinVar:

ClinVar aggregate classification (germline): Likely benign (1 of 4 stars; one submission).

Allele frequency attached by ClinVar (database versions not stated): gnomAD 0.00010; TOPMed 0.00013; gnomAD exomes 0.00020.
gnomAD v4.1: 235 of 1,286,524 alleles (0.018%); highest among the groups gnomAD compares: Non-Finnish European, 0.022%; no homozygotes.

Submission:

CeGaT Center for Human Genetics Tuebingen
Classification: Likely benign. Last evaluated: 2022-11-01. Review status: criteria provided, single submitter. Criteria: CeGaT Center For Human Genetics Tuebingen Variant Classification Criteria Version 2. Collection method: clinical testing. Allele origin: germline. Affected: yes. Observed: 1 variant allele.
Comment: ANKRD65: BP4, BP7

NM_001145210.3(ANKRD65):c.729G>A (p.Ala243=)

Gene: ANKRD65 (ankyrin repeat domain 65; minus strand). Cytogenetic location: 1p36.33.
Variant type: single nucleotide variant.
Coding change: c.729G>A on transcript NM_001145210.3 (MANE Select); coding-DNA position 729, G replaced by A.
Protein change: p.Ala243=; no amino-acid change (alanine 243 retained).
Molecular consequence: synonymous variant. On other transcripts: intron variant (4).
Genome position (GRCh38, 1-based): chr1:1,420,073, C>T on the plus strand (G>A on the coding strand, the complement: ANKRD65 is on the minus strand). VCF-style: chr1-1420073-C-T. GRCh37 (hg19) VCF-style: chr1-1355453-C-T.
Other names: c.191-524G>A (NM_001243536.2, NM_001375660.1); c.210-524G>A (NM_001243535.2, NM_001375659.1).
Identifiers: ClinVar variation 2638010 (VCV002638010.24), dbSNP rs905121507, ClinGen allele CA16800272.